The following is an entry in ClinVar:

ClinVar aggregate classification (germline): Uncertain significance (1 of 4 stars; one submission).

Allele frequency attached by ClinVar (database versions not stated): gnomAD exomes below 0.00001; TOPMed below 0.00001.
gnomAD v4.1: 2 of 1,611,154 alleles (0.00012%); highest among the groups gnomAD compares: Admixed American, 0.0034%; no homozygotes.

Submission:

Labcorp Genetics (formerly Invitae), Labcorp
Classification: Uncertain significance. Last evaluated: 2025-01-27. Review status: criteria provided, single submitter. Criteria: Invitae Variant Classification Sherloc (09022015). Collection method: clinical testing. Allele origin: germline.
Comment: This sequence change replaces glutamine, which is neutral and polar, with proline, which is neutral and non-polar, at codon 1076 of the SRCAP protein (p.Gln1076Pro). This variant is present in population databases (no rsID available, gnomAD 0.003%). This variant has not been reported in the literature in individuals affected with SRCAP-related conditions. ClinVar contains an entry for this variant (Variation ID: 2883881). Invitae Evidence Modeling of protein sequence and biophysical properties (such as structural, functional, and spatial information, amino acid conservation, physicochemical variation, residue mobility, and thermodynamic stability) indicates that this missense variant is not expected to disrupt SRCAP protein function with a negative predictive value of 80%. In summary, the available evidence is currently insufficient to determine the role of this variant in disease. Therefore, it has been classified as a Variant of Uncertain Significance.

NM_006662.3(SRCAP):c.3227A>C (p.Gln1076Pro)

Gene: SRCAP (Snf2 related CREBBP activator protein; plus strand). Cytogenetic location: 16p11.2.
Variant type: single nucleotide variant.
Coding change: c.3227A>C on transcript NM_006662.3 (MANE Select); coding-DNA position 3227, A replaced by C.
Protein change: p.Gln1076Pro; replaces glutamine 1076 with proline.
Molecular consequence: missense variant.
Genome position (GRCh38, 1-based): chr16:30,720,952, A>C. VCF-style: chr16-30720952-A-C. GRCh37 (hg19) VCF-style: chr16-30732273-A-C.
Other names: short protein forms Q1076P.
Identifiers: ClinVar variation 2883881 (VCV002883881.3), dbSNP rs1181981451, ClinGen allele CA395613560.